The following is an entry in ClinVar:

NM_020831.6(MRTFA):c.2384C>G (p.Ser795Cys)

Gene: MRTFA (myocardin related transcription factor A; minus strand). Cytogenetic location: 22q13.1.
Variant type: single nucleotide variant.
Coding change: c.2384C>G on transcript NM_020831.6 (MANE Select); coding-DNA position 2384, C replaced by G.
Protein change: p.Ser795Cys; replaces serine 795 with cysteine.
Molecular consequence: missense variant.
Genome position (GRCh38, 1-based): chr22:40,417,474, G>C on the plus strand (C>G on the coding strand, the complement: MRTFA is on the minus strand). VCF-style: chr22-40417474-G-C. GRCh37 (hg19) VCF-style: chr22-40813478-G-C.
Other names: c.2084C>G, p.Ser695Cys (NM_001282660.2); c.2234C>G, p.Ser745Cys (NM_001282661.3); c.2384C>G, p.Ser795Cys (NM_001282662.3); c.2189C>G, p.Ser730Cys (NM_001318139.2); short protein forms S695C, S730C, S745C, S795C.
Identifiers: ClinVar variation 1977162 (VCV001977162.5), dbSNP rs771952332, ClinGen allele CA10249342.

ClinVar aggregate classification (germline): Uncertain significance (1 of 4 stars; one submission).

Allele frequency attached by ClinVar (database versions not stated): gnomAD 0.00001; gnomAD exomes 0.00001; TOPMed 0.00001; ExAC 0.00002.
gnomAD v4.1: 9 of 1,557,670 alleles (0.00058%); highest among the groups gnomAD compares: Non-Finnish European, 0.00078%; no homozygotes.

Submission:

Labcorp Genetics (formerly Invitae), Labcorp
Classification: Uncertain significance. Last evaluated: 2024-06-21. Review status: criteria provided, single submitter. Criteria: Invitae Variant Classification Sherloc (09022015). Collection method: clinical testing. Allele origin: germline.
Comment: This sequence change replaces serine, which is neutral and polar, with cysteine, which is neutral and slightly polar, at codon 695 of the MKL1 protein (p.Ser695Cys). This variant is present in population databases (rs771952332, gnomAD 0.001%). This variant has not been reported in the literature in individuals affected with MKL1-related conditions. ClinVar contains an entry for this variant (Variation ID: 1977162). An algorithm developed to predict the effect of missense changes on protein structure and function (PolyPhen-2) suggests that this variant is likely to be disruptive. In summary, the available evidence is currently insufficient to determine the role of this variant in disease. Therefore, it has been classified as a Variant of Uncertain Significance.